The following is an entry in ClinVar:

ClinVar aggregate classification (germline): Likely benign. Review status: criteria provided, multiple submitters, no conflicts (2 of 4 stars). 2 submissions from 2 submitters: Likely benign (2). Last evaluated 2025-12-01.

Conditions:
Inborn genetic diseases. Identifiers: MedGen C0950123, MeSH D030342.

Submissions (2):

CeGaT Center for Human Genetics Tuebingen
Classification: Likely benign. Last evaluated: 2025-12-01. Review status: criteria provided, single submitter. Criteria: CeGaT Center For Human Genetics Tuebingen Variant Classification Criteria Version 2. Collection method: clinical testing. Allele origin: germline. Affected: yes. Observed: 1 variant allele.
Comment: SCAF4: BS1

Ambry Genetics
Classification: Likely benign for Inborn genetic diseases. Last evaluated: 2022-01-19. Review status: criteria provided, single submitter. Criteria: Ambry Variant Classification Scheme 2023. Collection method: clinical testing. Allele origin: germline.

NM_020706.2(SCAF4):c.2879AGC[8] (p.Gln966_Pro967insGln)

Gene: SCAF4 (SR-related CTD associated factor 4; minus strand). Cytogenetic location: 21q22.11.
Variant type: Microsatellite.
Coding change: c.2879AGC[8] on transcript NM_020706.2 (MANE Select); eight copies in a row of the 3-base unit AGC starting at c.2879; the reference has seven copies in a row; one copy, 3 bases duplicated.
Protein change: p.Gln966_Pro967insGln.
Molecular consequence: inframe insertion.
Genome position (GRCh38, 1-based): chr21:31,671,944-31,671,946, GCT duplicated on the plus strand (AGC on the coding strand, the reverse complement: SCAF4 is on the minus strand); duplicating any 3 consecutive bases within chr21:31,671,944-31,671,965 gives the same sequence; the position shown is the placement nearest the transcript's 3' end. VCF-style (leftmost placement, unchanged base first): chr21-31671943-G-GGCT. GRCh37 (hg19) VCF-style: chr21-33044256-G-GGCT.
Other names: c.2834AGC[8], p.Gln951_Pro952insGln (NM_001145444.1); c.2813AGC[8], p.Gln944_Pro945insGln (NM_001145445.1); c.2897_2899dupAGC (NM_020706.2).
Identifiers: ClinVar variation 2381326 (VCV002381326.7), dbSNP rs578023456, ClinGen allele CA9999124.